The following is an entry in ClinVar:

ClinVar aggregate classification (germline): Pathogenic (1 of 4 stars; one submission).

Submission:

ISCA site 15
Classification: Pathogenic. Last evaluated: 2011-08-12. Review status: criteria provided, single submitter. Criteria: Kaminsky et al. (Genet Med. 2011). Collection method: clinical testing. Allele origin: maternal. Affected: yes. Observed: 1 variant allele.
Comment: Copy number variation identified through the course of routine clinical cytogenomic testing in postnatal populations. Clinical assertions have been curated as described in Kaminsky et al. 2011.

GRCh38/hg38 4q28.1(chr4:124055204-126331108)x1

Genes: ANKRD50 (ankyrin repeat domain containing 50; minus strand), FAT4 (FAT atypical cadherin 4; plus strand), LINC02379 (long intergenic non-protein coding RNA 2379; plus strand), LINC02516 (long intergenic non-protein coding RNA 2516; minus strand), MIR2054 (microRNA 2054; plus strand) and 5 more. Cytogenetic location: 4q28.1.
Variant type: copy number loss.
Change: copy number 1 (one copy instead of two) of chr4:124,055,204-126,331,108 (2.28 Mb, GRCh38 coordinates, 1-based), cytogenetic band 4q28.1.
Identifiers: ClinVar variation 59480 (VCV000059480.1).